The following is an entry in ClinVar:

ClinVar aggregate classification (germline): Uncertain significance (1 of 4 stars; one submission).

gnomAD v4.1: 20 of 1,239,614 alleles (0.0016%); highest among the groups gnomAD compares: South Asian, 0.0075%; no homozygotes.

Submission:

GeneDx
Classification: Uncertain significance. Last evaluated: 2024-05-08. Review status: criteria provided, single submitter. Criteria: GeneDx Variant Classification Process June 2021. Collection method: clinical testing. Allele origin: germline. Affected: yes.
Comment: Not observed at significant frequency in large population cohorts (gnomAD); Has not been previously published as pathogenic or benign to our knowledge

NM_017802.4(DNAAF5):c.-1G>A

Genes: DNAAF5 (dynein axonemal assembly factor 5; plus strand), PRKAR1B (protein kinase cAMP-dependent type I regulatory subunit beta; minus strand). Cytogenetic location: 7p22.3.
Variant type: single nucleotide variant.
Coding change: c.-1G>A on transcript NM_017802.4 (MANE Select); 1 bases upstream of the start codon, G replaced by A.
Molecular consequence: 5 prime UTR variant. On other transcripts: non-coding transcript variant (1), intron variant (3).
Genome position (GRCh38, 1-based): chr7:726,720, G>A. VCF-style: chr7-726720-G-A. GRCh37 (hg19) VCF-style: chr7-766357-G-A.
Other names: c.-23+935C>T (NM_001164759.1); c.-23+870C>T (NM_001164758.2); c.-23+490C>T (NM_001164760.2).
Identifiers: ClinVar variation 3375880 (VCV003375880.1).